The following is an entry in ClinVar:

NM_000051.4(ATM):c.4263C>T (p.Ala1421=)

Gene: ATM (ATM serine/threonine kinase; plus strand). Cytogenetic location: 11q22.3.
Variant type: single nucleotide variant.
Coding change: c.4263C>T on transcript NM_000051.4 (MANE Select); coding-DNA position 4263, C replaced by T.
Protein change: p.Ala1421=; no amino-acid change (alanine 1421 retained).
Molecular consequence: synonymous variant.
Genome position (GRCh38, 1-based): chr11:108,289,628, C>T. VCF-style: chr11-108289628-C-T. GRCh37 (hg19) VCF-style: chr11-108160355-C-T.
Other names: c.4263C>T, p.Ala1421= (NM_001351834.2).
Identifiers: ClinVar variation 524435 (VCV000524435.17), dbSNP rs1373073134, ClinGen allele CA476673836.

ClinVar aggregate classification (germline): Benign/Likely benign. Review status: criteria provided, multiple submitters, no conflicts (2 of 4 stars). 4 submissions from 4 submitters: Benign (1); Likely benign (3). Last evaluated 2024-05-17.

Conditions:
Hereditary cancer-predisposing syndrome. Also called: Neoplastic Syndromes, Hereditary; Tumor predisposition; Hereditary Cancer Syndrome; Hereditary neoplastic syndrome. Identifiers: Orphanet 140162, MedGen C0027672, MeSH D009386, MONDO:0015356.
Familial cancer of breast. Also called: hereditary breast carcinoma; BREAST CANCER, FAMILIAL; Hereditary breast cancer. Identifiers: Orphanet 227535, MedGen C0346153, MONDO:0016419, OMIM 114480. Disease mechanism: loss of function.
Ataxia-telangiectasia syndrome (AT). Also called: ATAXIA-TELANGIECTASIA, COMPLEMENTATION GROUP A; ATAXIA-TELANGIECTASIA, FRESNO VARIANT; Ataxia-telangiectasia; Ataxia-telangiectasia, complementation group D; AT, COMPLEMENTATION GROUP C; Ataxia-telangiectasia, complementation group E. Identifiers: Orphanet 100, MedGen C0004135, MONDO:0008840, OMIM 208900.

Allele frequency attached by ClinVar (database versions not stated): TOPMed below 0.00001.

Submissions (4):

Myriad Genetics, Inc.
Classification: Benign for Familial cancer of breast. Last evaluated: 2024-05-17. Review status: criteria provided, single submitter. Criteria: Myriad Autosomal Dominant, Autosomal Recessive and X-Linked Classification Criteria (2023). Collection method: clinical testing. Allele origin: unknown.
Comment: This variant is considered benign. This variant is a silent/synonymous amino acid change and it is not expected to impact splicing.

Labcorp Genetics (formerly Invitae), Labcorp
Classification: Likely benign for Ataxia-telangiectasia syndrome. Last evaluated: 2023-03-21. Review status: criteria provided, single submitter. Criteria: Invitae Variant Classification Sherloc (09022015). Collection method: clinical testing. Allele origin: germline.

Color Diagnostics, LLC DBA Color Health
Classification: Likely benign for Hereditary cancer-predisposing syndrome. Last evaluated: 2020-01-02. Review status: criteria provided, single submitter. Criteria: ACMG Guidelines, 2015. Collection method: clinical testing. Allele origin: germline.

Ambry Genetics
Classification: Likely benign for Hereditary cancer-predisposing syndrome. Last evaluated: 2015-11-08. Review status: criteria provided, single submitter. Criteria: Ambry Variant Classification Scheme 2023. Collection method: clinical testing. Allele origin: germline.